The following is an entry in ClinVar:

ClinVar aggregate classification (germline): Likely pathogenic (1 of 4 stars; one submission).

Submission:

GeneDx
Classification: Likely pathogenic. Last evaluated: 2022-08-09. Review status: criteria provided, single submitter. Criteria: GeneDx Variant Classification Process June 2021. Collection method: clinical testing. Allele origin: germline. Affected: yes.
Comment: Not observed at significant frequency in large population cohorts (gnomAD); In silico analysis supports that this missense variant has a deleterious effect on protein structure/function; Has not been previously published as pathogenic or benign to our knowledge

NM_021072.4(HCN1):c.1148C>T (p.Ala383Val)

Gene: HCN1 (hyperpolarization activated cyclic nucleotide gated potassium channel 1; minus strand). Cytogenetic location: 5p12.
Variant type: single nucleotide variant.
Coding change: c.1148C>T on transcript NM_021072.4 (MANE Select); coding-DNA position 1148, C replaced by T.
Protein change: p.Ala383Val; replaces alanine 383 with valine.
Molecular consequence: missense variant.
Genome position (GRCh38, 1-based): chr5:45,396,574, G>A on the plus strand (C>T on the coding strand, the complement: HCN1 is on the minus strand). VCF-style: chr5-45396574-G-A. GRCh37 (hg19) VCF-style: chr5-45396676-G-A.
Other names: short protein forms A383V.
Identifiers: ClinVar variation 1328701 (VCV001328701.3), dbSNP rs2112040707, ClinGen allele CA359705318.